The following is an entry in ClinVar:

NM_000179.3(MSH6):c.696G>A (p.Gln232=)

Gene: MSH6 (mutS homolog 6; plus strand). Cytogenetic location: 2p16.3.
Variant type: single nucleotide variant.
Coding change: c.696G>A on transcript NM_000179.3 (MANE Select); coding-DNA position 696, G replaced by A.
Protein change: p.Gln232=; no amino-acid change (glutamine 232 retained).
Molecular consequence: synonymous variant. On other transcripts: 5 prime UTR variant (2).
Genome position (GRCh38, 1-based): chr2:47,798,679, G>A. VCF-style: chr2-47798679-G-A. GRCh37 (hg19) VCF-style: chr2-48025818-G-A.
Other names: c.306G>A, p.Gln102= (NM_001281492.2); c.-211G>A (NM_001281493.2, NM_001281494.2).
Identifiers: ClinVar variation 230501 (VCV000230501.23), dbSNP rs777770119, ClinGen allele CA073351.

ClinVar aggregate classification (germline): Benign/Likely benign. Review status: criteria provided, multiple submitters, no conflicts (2 of 4 stars). 7 submissions from 7 submitters: Benign (1); Likely benign (6). Last evaluated 2026-06-01.

Conditions:
Hereditary nonpolyposis colorectal neoplasms. Identifiers: MedGen C0009405, MeSH D003123.
Hereditary cancer-predisposing syndrome. Also called: Neoplastic Syndromes, Hereditary; Hereditary Cancer Syndrome; Tumor predisposition; Hereditary neoplastic syndrome. Identifiers: Orphanet 140162, MedGen C0027672, MeSH D009386, MONDO:0015356.
Lynch syndrome. Identifiers: Orphanet 144, MedGen C4552100, MONDO:0005835. Disease mechanism: loss of function.
Lynch syndrome 5 (LYNCH5). Also called: Colorectal cancer, hereditary nonpolyposis, type 5; Hereditary non-polyposis colorectal cancer, type 5. Identifiers: Orphanet 144, MedGen C1833477, MONDO:0013710, OMIM 614350. Disease mechanism: loss of function.

Allele frequency attached by ClinVar (database versions not stated): gnomAD exomes below 0.00001; TOPMed below 0.00001; ExAC 0.00001.
gnomAD v4.1: 4 of 1,613,856 alleles (0.00025%); highest among the groups gnomAD compares: Non-Finnish European, 0.00034%; no homozygotes.

Submissions (7):

CeGaT Center for Human Genetics Tuebingen
Classification: Likely benign. Last evaluated: 2026-06-01. Review status: criteria provided, single submitter. Criteria: CeGaT Center For Human Genetics Tuebingen Variant Classification Criteria Version 2. Collection method: clinical testing. Allele origin: germline. Affected: yes. Observed: 1 variant allele.
Comment: MSH6: BP4, BP7

Labcorp Genetics (formerly Invitae), Labcorp
Classification: Likely benign for Hereditary nonpolyposis colorectal neoplasms. Last evaluated: 2025-12-24. Review status: criteria provided, single submitter. Criteria: Invitae Variant Classification Sherloc (09022015). Collection method: clinical testing. Allele origin: germline.

Myriad Genetics, Inc.
Classification: Benign for Lynch syndrome 5. Last evaluated: 2024-12-19. Review status: criteria provided, single submitter. Criteria: Myriad Autosomal Dominant, Autosomal Recessive and X-Linked Classification Criteria (2023). Collection method: clinical testing. Allele origin: unknown.
Comment: This variant is considered benign. This variant is a silent/synonymous amino acid change and it is not expected to impact splicing.

All of Us Research Program, National Institutes of Health
Classification: Likely benign for Lynch syndrome. Last evaluated: 2024-05-06. Review status: criteria provided, single submitter. Criteria: ACMG Guidelines, 2015. Collection method: clinical testing. Allele origin: germline. Inheritance: Autosomal dominant inheritance. Observed: 1 variant allele, 1 heterozygote.
Comment: This study involves interpretation of variants in research participants for the purpose of population health screening. Participant phenotype was not available at the time of variant classification. Additional details can be found in publication PMID: 35346344, PMCID: PMC8962531

Women's Health and Genetics/Laboratory Corporation of America, LabCorp
Classification: Likely benign. Last evaluated: 2023-05-13. Review status: criteria provided, single submitter. Criteria: LabCorp Variant Classification Summary - May 2015. Collection method: clinical testing. Allele origin: germline.

Color Diagnostics, LLC DBA Color Health
Classification: Likely benign for Hereditary cancer-predisposing syndrome. Last evaluated: 2017-11-06. Review status: criteria provided, single submitter. Criteria: ACMG Guidelines, 2015. Collection method: clinical testing. Allele origin: germline.

Ambry Genetics
Classification: Likely benign for Hereditary cancer-predisposing syndrome. Last evaluated: 2015-02-19. Review status: criteria provided, single submitter. Criteria: Ambry Variant Classification Scheme 2023. Collection method: clinical testing. Allele origin: germline.